The following is an entry in ClinVar:

NM_014639.4(SKIC3):c.2161G>A (p.Gly721Arg)

Gene: SKIC3 (SKI3 subunit of superkiller complex; minus strand). Cytogenetic location: 5q15.
Variant type: single nucleotide variant.
Coding change: c.2161G>A on transcript NM_014639.4 (MANE Select); coding-DNA position 2161, G replaced by A.
Protein change: p.Gly721Arg; replaces glycine 721 with arginine.
Molecular consequence: missense variant.
Genome position (GRCh38, 1-based): chr5:95,517,276, C>T on the plus strand (G>A on the coding strand, the complement: SKIC3 is on the minus strand). VCF-style: chr5-95517276-C-T. GRCh37 (hg19) VCF-style: chr5-94852980-C-T.
Other names: short protein forms G721R.
Identifiers: ClinVar variation 1043270 (VCV001043270.9), dbSNP rs1411023397, ClinGen allele CA360460761.

ClinVar aggregate classification (germline): Uncertain significance. Review status: criteria provided, multiple submitters, no conflicts (2 of 4 stars). 2 submissions from 2 submitters: Uncertain significance (2). Last evaluated 2024-05-30.

Allele frequency attached by ClinVar (database versions not stated): gnomAD exomes 0.00001.

Submissions (2):

Women's Health and Genetics/Laboratory Corporation of America, LabCorp
Classification: Uncertain significance. Last evaluated: 2024-05-30. Review status: criteria provided, single submitter. Criteria: LabCorp Variant Classification Summary - May 2015. Collection method: clinical testing. Allele origin: germline.
Comment: Variant summary: TTC37 c.2161G>A (p.Gly721Arg) results in a non-conservative amino acid change in the encoded protein sequence. Four of five in-silico tools predict a damaging effect of the variant on protein function. The variant allele was found at a frequency of 8e-06 in 250344 control chromosomes. c.2161G>A has been reported in the literature (denoted as c.2161G>A, p.Gly721Trp) in the compound heterozygous state in at least 2 related individuals affected with clinical features of Trichohepatoenteric Syndrome (example, Bourgeois_2018). This report does not provide unequivocal conclusions about association of the variant with Trichohepatoenteric Syndrome, in part due to nomenclature ambiguity. To our knowledge, no experimental evidence demonstrating an impact on protein function has been reported. The following publication has been ascertained in the context of this evaluation (PMID: 29527791). ClinVar contains an entry for this variant (Variation ID: 1043270). Based on the evidence outlined above, the variant was classified as uncertain significance.

Labcorp Genetics (formerly Invitae), Labcorp
Classification: Uncertain significance. Last evaluated: 2021-03-06. Review status: criteria provided, single submitter. Criteria: Invitae Variant Classification Sherloc (09022015). Collection method: clinical testing. Allele origin: germline.
Comment: Algorithms developed to predict the effect of missense changes on protein structure and function are either unavailable or do not agree on the potential impact of this missense change (SIFT: "Deleterious"; PolyPhen-2: "Probably Damaging"; Align-GVGD: "Class C0"). In summary, the available evidence is currently insufficient to determine the role of this variant in disease. Therefore, it has been classified as a Variant of Uncertain Significance. This variant has been observed in individual(s) with trichohepatoenteric syndrome (PMID: 29527791). This variant is not present in population databases (ExAC no frequency). This sequence change replaces glycine with arginine at codon 721 of the TTC37 protein (p.Gly721Arg). The glycine residue is moderately conserved and there is a moderate physicochemical difference between glycine and arginine.

Literature cited by the submitters: PubMed 29527791 (cited by Women's Health and Genetics/Laboratory Corporation of America, LabCorp and Labcorp Genetics (formerly Invitae), Labcorp).